The following is an entry in ClinVar:

NM_018896.5(CACNA1G):c.6493_6498dup (p.Ala2166_Tyr2167insArgAla)

Gene: CACNA1G (calcium voltage-gated channel subunit alpha1 G; plus strand). Cytogenetic location: 17q21.33.
Variant type: Duplication.
Coding change: c.6493_6498dup on transcript NM_018896.5 (MANE Select); coding-DNA positions 6493 to 6498, 6 bases duplicated (CGGGCC; older notation c.6493_6498dupCGGGCC).
Protein change: p.Ala2166_Tyr2167insArgAla.
Molecular consequence: non-coding transcript variant (on NR_046054.2). On other transcripts: intron variant (3).
Genome position (GRCh38, 1-based): chr17:50,626,110-50,626,115, CGGGCC duplicated; duplicating any 6 consecutive bases within chr17:50,626,106-50,626,115 gives the same sequence; the c. name uses the placement nearest the transcript's 3' end. VCF-style (leftmost placement, unchanged base first): chr17-50626105-T-TGGCCCG. GRCh37 (hg19) VCF-style: chr17-48703466-T-TGGCCCG.
Other names: c.6106_6111dup, p.Ala2037_Tyr2038insArgAla (NM_001256360.2); c.6100_6105dup, p.Ala2035_Tyr2036insArgAla (NM_001256361.2); c.6460_6465dup, p.Ala2155_Tyr2156insArgAla (NM_198377.3); c.6181_6186dup, p.Ala2062_Tyr2063insArgAla (NM_198378.3); c.6256_6261dup, p.Ala2087_Tyr2088insArgAla (NM_198379.3); c.6325_6330dup, p.Ala2110_Tyr2111insArgAla (NM_198380.3); c.6145_6150dup, p.Ala2050_Tyr2051insArgAla (NM_198382.3); c.6280_6285dup, p.Ala2095_Tyr2096insArgAla (NM_198383.3); and 18 more.
Identifiers: ClinVar variation 4085871 (VCV004085871.8).

ClinVar aggregate classification (germline): Uncertain significance (1 of 4 stars; one submission).

Submission:

CeGaT Center for Human Genetics Tuebingen
Classification: Uncertain significance. Last evaluated: 2025-08-01. Review status: criteria provided, single submitter. Criteria: CeGaT Center For Human Genetics Tuebingen Variant Classification Criteria Version 2. Collection method: clinical testing. Allele origin: germline. Affected: yes. Observed: 1 variant allele.
Comment: CACNA1G: PM2, PM4